The following is an entry in ClinVar:

NM_177531.6(PKHD1L1):c.2651A>G (p.Tyr884Cys)

Gene: PKHD1L1 (PKHD1 like 1; plus strand). Cytogenetic location: 8q23.1.
Variant type: single nucleotide variant.
Coding change: c.2651A>G on transcript NM_177531.6 (MANE Select); coding-DNA position 2651, A replaced by G.
Protein change: p.Tyr884Cys; replaces tyrosine 884 with cysteine.
Molecular consequence: missense variant.
Genome position (GRCh38, 1-based): chr8:109,420,644, A>G. VCF-style: chr8-109420644-A-G. GRCh37 (hg19) VCF-style: chr8-110432873-A-G.
Other names: c.2651A>G (NM_177531.4); short protein forms Y884C.
Identifiers: ClinVar variation 3257618 (VCV003257618.17).

ClinVar aggregate classification (germline): Likely benign. Review status: criteria provided, single submitter (1 of 4 stars). 2 submissions from 2 submitters: Likely benign (1). 1 of the submissions does not count toward it. Last evaluated 2026-03-01.

Conditions:
PKHD1L1-related disorder. Also called: PKHD1L1-related condition.

gnomAD v4.1: 5,057 of 1,606,528 alleles (0.31%); highest among the groups gnomAD compares: Middle Eastern, 0.56%; 8 homozygotes.

Submissions (2):

CeGaT Center for Human Genetics Tuebingen
Classification: Likely benign. Last evaluated: 2026-03-01. Review status: criteria provided, single submitter. Criteria: CeGaT Center For Human Genetics Tuebingen Variant Classification Criteria Version 2. Collection method: clinical testing. Allele origin: germline. Affected: yes. Observed: 2 variant alleles.
Comment: PKHD1L1: BP4

PreventionGenetics, part of Exact Sciences
Classification: Likely benign for PKHD1L1-related condition. Last evaluated: 2024-06-20. Review status: no assertion criteria provided. Collection method: clinical testing. Allele origin: germline. Not counted in ClinVar's aggregate classification.
Comment: This variant is classified as likely benign based on ACMG/AMP sequence variant interpretation guidelines (Richards et al. 2015 PMID: 25741868, with internal and published modifications).